The following is an entry in ClinVar:

ClinVar aggregate classification (germline): Uncertain significance. Review status: criteria provided, multiple submitters, no conflicts (2 of 4 stars). 2 submissions from 2 submitters: Uncertain significance (2). Last evaluated 2025-12-21.

Conditions:
Charcot-Marie-Tooth disease type 4A. Also called: Charcot-Marie-Tooth disease, demyelinating, autosomal recessive, type 4a. Identifiers: Orphanet 99948, MedGen C1859198, MONDO:0008961, OMIM 214400.

Submissions (2):

Labcorp Genetics (formerly Invitae), Labcorp
Classification: Uncertain significance for Charcot-Marie-Tooth disease type 4A. Last evaluated: 2025-12-21. Review status: criteria provided, single submitter. Criteria: Invitae Variant Classification Sherloc (09022015). Collection method: clinical testing. Allele origin: germline.
Comment: This sequence change replaces proline, which is neutral and non-polar, with threonine, which is neutral and polar, at codon 78 of the GDAP1 protein (p.Pro78Thr). This variant is not present in population databases (gnomAD no frequency). This variant has not been reported in the literature in individuals affected with GDAP1-related conditions. ClinVar contains an entry for this variant (Variation ID: 3902520). Invitae Evidence Modeling of protein sequence and biophysical properties (such as structural, functional, and spatial information, amino acid conservation, physicochemical variation, residue mobility, and thermodynamic stability) indicates that this missense variant is expected to disrupt GDAP1 protein function with a positive predictive value of 80%. This variant disrupts the p.Pro78Leu amino acid residue in GDAP1. Other variant(s) that disrupt this residue have been determined to be pathogenic (PMID: 18062449, 23628762). This suggests that this residue is clinically significant, and that variants that disrupt this residue are likely to be disease-causing. In summary, the available evidence is currently insufficient to determine the role of this variant in disease. Therefore, it has been classified as a Variant of Uncertain Significance.

Women's Health and Genetics/Laboratory Corporation of America, LabCorp
Classification: Uncertain significance. Last evaluated: 2025-05-05. Review status: criteria provided, single submitter. Criteria: LabCorp Variant Classification Summary - May 2015. Collection method: clinical testing. Allele origin: germline.
Comment: Variant summary: GDAP1 c.232C>A (p.Pro78Thr) results in a non-conservative amino acid change in the encoded protein sequence. Algorithms developed to predict the effect of missense changes on protein structure and function all suggest that this variant is likely to be disruptive. The variant was absent in 251496 control chromosomes. The available data on variant occurrences in the general population are insufficient to allow any conclusion about variant significance. To our knowledge, no occurrence of c.232C>A in individuals affected with Charcot-Marie-Tooth disease axonal type 2K and no experimental evidence demonstrating its impact on protein function have been reported. No submitters have cited clinical-significance assessments for this variant to ClinVar. Based on the evidence outlined above, the variant was classified as uncertain significance.

Literature cited by the submitters: PubMed 18062449 (cited by Labcorp Genetics (formerly Invitae), Labcorp); PubMed 23628762 (cited by Labcorp Genetics (formerly Invitae), Labcorp).

NM_018972.4(GDAP1):c.232C>A (p.Pro78Thr)

Gene: GDAP1 (ganglioside induced differentiation associated protein 1; plus strand). Cytogenetic location: 8q21.11.
Variant type: single nucleotide variant.
Coding change: c.232C>A on transcript NM_018972.4 (MANE Select); coding-DNA position 232, C replaced by A.
Protein change: p.Pro78Thr; replaces proline 78 with threonine.
Molecular consequence: missense variant. On other transcripts: intron variant (2).
Genome position (GRCh38, 1-based): chr8:74,351,388, C>A. VCF-style: chr8-74351388-C-A. GRCh37 (hg19) VCF-style: chr8-75263623-C-A.
Other names: c.28C>A, p.Pro10Thr (NM_001040875.4); c.232C>A, p.Pro78Thr (NM_001362930.2, NM_001362931.2); c.-18+67C>A (NM_001362929.2); c.-18+810C>A (NM_001362932.2); short protein forms P10T, P78T.
Identifiers: ClinVar variation 3902520 (VCV003902520.2).